The following is an entry in ClinVar:

NM_000257.4(MYH7):c.2191C>G (p.Pro731Ala)

Gene: MYH7 (myosin heavy chain 7; minus strand). Cytogenetic location: 14q11.2.
Variant type: single nucleotide variant.
Coding change: c.2191C>G on transcript NM_000257.4 (MANE Select); coding-DNA position 2191, C replaced by G.
Protein change: p.Pro731Ala; replaces proline 731 with alanine.
Molecular consequence: missense variant.
Genome position (GRCh38, 1-based): chr14:23,425,790, G>C on the plus strand (C>G on the coding strand, the complement: MYH7 is on the minus strand). VCF-style: chr14-23425790-G-C. GRCh37 (hg19) VCF-style: chr14-23894999-G-C.
Other names: short protein forms P731A.
Identifiers: ClinVar variation 177716 (VCV000177716.5), dbSNP rs727504299, ClinGen allele CA011914.

ClinVar aggregate classification (germline): Uncertain significance (1 of 4 stars; one submission).

Submission:

Laboratory for Molecular Medicine, Mass General Brigham Personalized Medicine
Classification: Uncertain significance. Last evaluated: 2019-08-02. Review status: criteria provided, single submitter. Criteria: LMM Criteria. Collection method: clinical testing. Allele origin: germline. Observed: 1 variant allele.
Comment: Variant classified as Uncertain Significance - Favor Pathogenic. It was absent from large population studies. Computational prediction tools and conservation analyses do not provide strong support for or against an impact to the protein. Of note, this variant lies in the head region of the protein and missense variants in this region are statistically more likely to be disease-associated (Walsh 2016). Additional variants at the same position (p.Pro731Ser, p.Pro731Leu) have been reported in individuals with HCM; although, their clinical significance is uncertain. In summary, while there is some suspicion for a pathogenic role, the clinical significance of this variant is uncertain. ACMG/AMP Criteria applied: PM2, PM1.

Literature cited by the submitters: PubMed 23283745; PubMed 7739336.